The following is an entry in ClinVar:

ClinVar aggregate classification (germline): Benign/Likely benign. Review status: criteria provided, multiple submitters, no conflicts (2 of 4 stars). 6 submissions from 6 submitters: Benign (5); Likely benign (1). Last evaluated 2026-02-03.

Conditions:
Immunodeficiency, common variable, 2 (CVID2). Also called: HYPOGAMMAGLOBULINEMIA DUE TO TACI DEFICIENCY; ANTIBODY DEFICIENCY DUE TO TACI DEFECT. Identifiers: Orphanet 1572, MedGen C3150354, MONDO:0009413, OMIM 240500.

Allele frequency attached by ClinVar (database versions not stated): gnomAD 0.03624 and 0.03423; gnomAD exomes 0.04155 and 0.04173; ExAC 0.04239; 1000 Genomes Project 30x 0.04700; 1000 Genomes Project 0.04852; ESP Exome Variant Server 0.03160; TOPMed 0.03415.

Submissions (6):

Labcorp Genetics (formerly Invitae), Labcorp
Classification: Benign for Immunodeficiency, common variable, 2. Last evaluated: 2026-02-03. Review status: criteria provided, single submitter. Criteria: Invitae Variant Classification Sherloc (09022015). Collection method: clinical testing. Allele origin: germline.

ARUP Laboratories, Molecular Genetics and Genomics, ARUP Laboratories
Classification: Benign. Last evaluated: 2025-04-23. Review status: criteria provided, single submitter. Criteria: ARUP Molecular Germline Variant Investigation Process 2024. Collection method: clinical testing. Allele origin: germline.

Mayo Clinic Laboratories, Mayo Clinic
Classification: Benign. Last evaluated: 2020-07-15. Review status: criteria provided, single submitter. Criteria: ACMG Guidelines, 2015. Collection method: clinical testing. Allele origin: germline. Observed: 11 variant alleles.

Laboratory for Molecular Medicine, Mass General Brigham Personalized Medicine
Classification: Benign. Last evaluated: 2016-03-29. Review status: criteria provided, single submitter. Criteria: LMM Criteria. Collection method: clinical testing. Allele origin: germline.
Comment: Variant identified in a genome or exome case(s) and assessed due to predicted null impact of the variant or pathogenic assertions in the literature or databases. Disclaimer: This variant has not undergone full assessment. The following are preliminary notes: Frequency

Breakthrough Genomics
Classification: Likely benign. Review status: criteria provided, single submitter. Criteria: ACMG Guidelines, 2015. Collection method: not provided. Allele origin: germline. Inheritance: Autosomal recessive inheritance. Affected: yes.

PreventionGenetics, part of Exact Sciences
Classification: Benign. Review status: criteria provided, single submitter. Criteria: ACMG Guidelines, 2015. Collection method: clinical testing. Allele origin: germline.

NM_012452.3(TNFRSF13B):c.291T>G (p.Pro97=)

Gene: TNFRSF13B (TNF receptor superfamily member 13B; minus strand). Cytogenetic location: 17p11.2.
Variant type: single nucleotide variant.
Coding change: c.291T>G on transcript NM_012452.3 (MANE Select); coding-DNA position 291, T replaced by G.
Protein change: p.Pro97=; no amino-acid change (proline 97 retained).
Molecular consequence: synonymous variant.
Genome position (GRCh38, 1-based): chr17:16,948,892, A>C on the plus strand (T>G on the coding strand, the complement: TNFRSF13B is on the minus strand). VCF-style: chr17-16948892-A-C. GRCh37 (hg19) VCF-style: chr17-16852206-A-C.
Other names: p.Pro97=.
Identifiers: ClinVar variation 260258 (VCV000260258.28), dbSNP rs35062843, ClinGen allele CA8414049.